The following is an entry in ClinVar:

NM_030912.3(TRIM8):c.1421dup (p.Tyr474Ter)

Gene: TRIM8 (tripartite motif containing 8; plus strand). Cytogenetic location: 10q24.32.
Variant type: Duplication.
Coding change: c.1421dup on transcript NM_030912.3 (MANE Select); coding-DNA position 1421, one base duplicated (A; older notation c.1421dupA).
Protein change: p.Tyr474Ter; replaces tyrosine 474 with a stop codon.
Molecular consequence: nonsense. On other transcripts: non-coding transcript variant (1).
Genome position (GRCh38, 1-based): chr10:102,657,119, A duplicated. VCF-style (leftmost placement, unchanged base first): chr10-102657118-T-TA. GRCh37 (hg19) VCF-style: chr10-104416875-T-TA.
Other names: c.1325dup, p.Tyr442Ter (NM_001345950.1); short protein forms Y442*, Y474*.
Identifiers: ClinVar variation 4854684 (VCV004854684.1).
Genomic context (GRCh38, chr10:102,657,118, plus strand): 5'-CAGCCCATGCTCCCCCAGTATGGCGGCCGCAAGATTCTCGTCTGTTCTGTGGACAACTGT[T>TA]ACTGTTCTTCCGTGGCCAACCATGGCGGCCACCAGCCCTACCCCCGCTCCGGCCACTTTC-3'

ClinVar aggregate classification (germline): Likely pathogenic (1 of 4 stars; one submission).

Conditions:
Focal segmental glomerulosclerosis and neurodevelopmental syndrome. Identifiers: MedGen C5561938, MONDO:0100111, OMIM 619428.

Submission:

3billion
Classification: Likely pathogenic for Focal segmental glomerulosclerosis and neurodevelopmental syndrome. Last evaluated: 2025-10-01. Review status: criteria provided, single submitter. Criteria: ACMG Guidelines, 2015. Collection method: clinical testing. Allele origin: germline. Affected: yes.
Comment: The variant is not observed in the gnomAD v4.1.0 dataset. Predicted Consequence/Location: Stop-gained (nonsense): predicted to result in a loss or disruption of normal protein function through protein truncation. The predicted truncated protein may be shortened by more than 10% and a dominant negative effect has been reported near truncated region (PMID: 32531461, 34930159). Therefore, this variant is classified as Likely pathogenic according to the recommendation of ACMG/AMP guideline.